The following is an entry in ClinVar:

NM_001081.4(CUBN):c.4787G>A (p.Ser1596Asn)

Gene: CUBN (cubilin; minus strand). Cytogenetic location: 10p13.
Variant type: single nucleotide variant.
Coding change: c.4787G>A on transcript NM_001081.4 (MANE Select); coding-DNA position 4787, G replaced by A.
Protein change: p.Ser1596Asn; replaces serine 1596 with asparagine.
Molecular consequence: missense variant.
Genome position (GRCh38, 1-based): chr10:16,954,457, C>T on the plus strand (G>A on the coding strand, the complement: CUBN is on the minus strand). VCF-style: chr10-16954457-C-T. GRCh37 (hg19) VCF-style: chr10-16996456-C-T.
Other names: short protein forms S1596N.
Identifiers: ClinVar variation 392908 (VCV000392908.2), dbSNP rs368081631, ClinGen allele CA16605849.
Genomic context (GRCh38, chr10:16,954,457, plus strand): 5'-AATTGAGCTCGGAAGCCTCTGTTCTGTCTGGAAGGGCCAGACTGAAATCTCAAGAAGAGG[C>T]TGTTTCCTGAGGAGACGATGGGGTTAGCCAGCTGCTCCCTTCCACACGTCCTGGCAAGGC-3'
Protein context (NP_001072.2, residues 1586-1606): LANPIVSSGN[Ser1596Asn]LFLRFQSGPS

ClinVar aggregate classification (germline): Uncertain significance (1 of 4 stars; one submission).

Submission:

GeneDx
Classification: Uncertain significance. Last evaluated: 2017-01-26. Review status: criteria provided, single submitter. Criteria: GeneDx Variant Classification (06012015). Collection method: clinical testing. Allele origin: germline. Affected: yes.
Comment: The S1596N variant in the CUBN gene has not been reported previously as a pathogenic variant, nor as a benign variant, to our knowledge. The S1596N variant was not observed in approximately 6500 individuals of European and African American ancestry in the NHLBI Exome Sequencing Project, indicating it is not a common benign variant in these populations. The S1596N variant is a conservative amino acid substitution, which is not likely to impact secondary protein structure as these residues share similar properties. In addition, this substitution occurs at a position that is not conserved across species. However, in silico analysis is inconsistent in its predictions as to whether or not the variant is damaging to the protein structure/function. We interpret S1596N as a variant of uncertain significance.